The following is an entry in ClinVar:

NM_015978.3(TNNI3K):c.388G>A (p.Val130Ile)

Genes: FPGT-TNNI3K (FPGT-TNNI3K readthrough; plus strand), TNNI3K (TNNI3 interacting kinase; plus strand). Cytogenetic location: 1p31.1.
Variant type: single nucleotide variant.
Coding change: c.388G>A on transcript NM_015978.3 (MANE Select); coding-DNA position 388, G replaced by A.
Protein change: p.Val130Ile; replaces valine 130 with isoleucine.
Molecular consequence: missense variant.
Genome position (GRCh38, 1-based): chr1:74,271,652, G>A. VCF-style: chr1-74271652-G-A. GRCh37 (hg19) VCF-style: chr1-74737336-G-A.
Other names: c.691G>A, p.Val231Ile (NM_001112808.3, NM_001199327.2); c.388G>A (NM_015978.2); short protein forms V130I, V231I.
Identifiers: ClinVar variation 2871533 (VCV002871533.4), dbSNP rs758380648, ClinGen allele CA908882.

ClinVar aggregate classification (germline): Uncertain significance. Review status: criteria provided, multiple submitters, no conflicts (2 of 4 stars). 2 submissions from 2 submitters: Uncertain significance (2). Last evaluated 2025-11-09.

Conditions:
Inborn genetic diseases. Identifiers: MedGen C0950123, MeSH D030342.

Allele frequency attached by ClinVar (database versions not stated): gnomAD 0.00001; ExAC 0.00001.
gnomAD v4.1: 14 of 1,609,634 alleles (0.00087%); highest among the groups gnomAD compares: African/African-American, 0.0013%; no homozygotes.

Submissions (2):

Labcorp Genetics (formerly Invitae), Labcorp
Classification: Uncertain significance. Last evaluated: 2025-11-09. Review status: criteria provided, single submitter. Criteria: Invitae Variant Classification Sherloc (09022015). Collection method: clinical testing. Allele origin: germline.
Comment: This sequence change replaces valine, which is neutral and non-polar, with isoleucine, which is neutral and non-polar, at codon 130 of the TNNI3K protein (p.Val130Ile). This variant is not present in population databases (gnomAD no frequency). This variant has not been reported in the literature in individuals affected with TNNI3K-related conditions. ClinVar contains an entry for this variant (Variation ID: 2871533). Invitae Evidence Modeling of protein sequence and biophysical properties (such as structural, functional, and spatial information, amino acid conservation, physicochemical variation, residue mobility, and thermodynamic stability) indicates that this missense variant is not expected to disrupt TNNI3K protein function with a negative predictive value of 80%. In summary, the available evidence is currently insufficient to determine the role of this variant in disease. Therefore, it has been classified as a Variant of Uncertain Significance.

Ambry Genetics
Classification: Uncertain significance for Inborn genetic diseases. Last evaluated: 2025-08-11. Review status: criteria provided, single submitter. Criteria: Ambry Variant Classification Scheme 2023. Collection method: clinical testing. Allele origin: germline.